The following is an entry in ClinVar:

NM_000520.6(HEXA):c.582G>C (p.Ala194=)

Gene: HEXA (hexosaminidase subunit alpha; minus strand). Cytogenetic location: 15q23.
Variant type: single nucleotide variant.
Coding change: c.582G>C on transcript NM_000520.6 (MANE Select); coding-DNA position 582, G replaced by C.
Protein change: p.Ala194=; no amino-acid change (alanine 194 retained).
Molecular consequence: synonymous variant. On other transcripts: non-coding transcript variant (1).
Genome position (GRCh38, 1-based): chr15:72,351,223, C>G on the plus strand (G>C on the coding strand, the complement: HEXA is on the minus strand). VCF-style: chr15-72351223-C-G. GRCh37 (hg19) VCF-style: chr15-72643564-C-G.
Other names: p.Ala194=; c.615G>C, p.Ala205= (NM_001318825.2).
Identifiers: ClinVar variation 1124247 (VCV001124247.10), dbSNP rs112614306, ClinGen allele CA272612843.

ClinVar aggregate classification (germline): Likely benign. Review status: criteria provided, multiple submitters, no conflicts (2 of 4 stars). 2 submissions from 2 submitters: Likely benign (2). Last evaluated 2025-09-03.

Conditions:
Tay-Sachs disease (TSD). Also called: HEXA DEFICIENCY; HEXA Disorders; GM2 gangliosidosis, type 1; Hexosaminidase alpha-subunit deficiency (variant B); Sphingolipidosis, Tay-Sachs; Hexosaminidase A Deficiency. Identifiers: Orphanet 845, MedGen C0039373, MONDO:0010100, OMIM 272800.

gnomAD v4.1: 7 of 1,606,490 alleles (0.00044%); highest among the groups gnomAD compares: African/African-American, 0.0054%; no homozygotes.

Submissions (2):

Mayo Clinic Laboratories, Mayo Clinic
Classification: Likely benign. Last evaluated: 2025-09-03. Review status: criteria provided, single submitter. Criteria: ACMG Guidelines, 2015. Collection method: clinical testing. Allele origin: germline. Observed: 1 variant allele.
Comment: BP4, BP7

Labcorp Genetics (formerly Invitae), Labcorp
Classification: Likely benign for Tay-Sachs disease. Last evaluated: 2025-06-17. Review status: criteria provided, single submitter. Criteria: Invitae Variant Classification Sherloc (09022015). Collection method: clinical testing. Allele origin: germline.